The following is an entry in ClinVar:

ClinVar aggregate classification (germline): Uncertain significance. Review status: criteria provided, multiple submitters, no conflicts (2 of 4 stars). 3 submissions from 3 submitters: Uncertain significance (3). Last evaluated 2025-12-24.

Conditions:
Hypertrophic cardiomyopathy. Also called: HYPERTROPHIC MYOCARDIOPATHY. Identifiers: Orphanet 217569, MedGen C0007194, MeSH D002312, MONDO:0005045, HP:0001639.
Cardiovascular phenotype. Identifiers: MedGen CN230736.
Cardiomyopathy (CMYO). Also called: Cardiomyopathies. Identifiers: Orphanet 167848, MedGen C0878544, MONDO:0004994, HP:0001638. Inheritance: Various modes of inheritance.

Allele frequency attached by ClinVar (database versions not stated): gnomAD exomes 0.00001; TOPMed 0.00001; ESP Exome Variant Server 0.00008.

Submissions (3):

Labcorp Genetics (formerly Invitae), Labcorp
Classification: Uncertain significance for Hypertrophic cardiomyopathy. Last evaluated: 2025-12-24. Review status: criteria provided, single submitter. Criteria: Invitae Variant Classification Sherloc (09022015). Collection method: clinical testing. Allele origin: germline.
Comment: This sequence change replaces alanine, which is neutral and non-polar, with valine, which is neutral and non-polar, at codon 1353 of the MYH7 protein (p.Ala1353Val). This variant is not present in population databases (gnomAD no frequency). This variant has not been reported in the literature in individuals affected with MYH7-related conditions. ClinVar contains an entry for this variant (Variation ID: 1443182). Invitae Evidence Modeling of protein sequence and biophysical properties (such as structural, functional, and spatial information, amino acid conservation, physicochemical variation, residue mobility, and thermodynamic stability) indicates that this missense variant is expected to disrupt MYH7 protein function with a positive predictive value of 95%. In summary, the available evidence is currently insufficient to determine the role of this variant in disease. Therefore, it has been classified as a Variant of Uncertain Significance.

All of Us Research Program, National Institutes of Health
Classification: Uncertain significance for Cardiomyopathy. Last evaluated: 2024-08-06. Review status: criteria provided, single submitter. Criteria: ACMG Guidelines, 2015. Collection method: clinical testing. Allele origin: germline. Inheritance: Autosomal dominant inheritance. Observed: 3 variant alleles, 3 heterozygotes.
Comment: This missense variant replaces alanine with valine at codon 1353 of the MYH7 protein. Computational prediction tools indicate that this variant has a deleterious impact on protein structure and function. To our knowledge, functional studies have not been reported for this variant. This variant has not been reported in individuals affected with MYH7-related disorders in the literature. This variant has not been identified in the general population by the Genome Aggregation Database (gnomAD). The available evidence is insufficient to determine the role of this variant in disease conclusively. Therefore, this variant is classified as a Variant of Uncertain Significance.

This study involves interpretation of variants in research participants for the purpose of population health screening. Participant phenotype was not available at the time of variant classification. Additional details can be found in publication PMID: 35346344, PMCID: PMC8962531

Ambry Genetics
Classification: Uncertain significance for Cardiovascular phenotype. Last evaluated: 2024-01-16. Review status: criteria provided, single submitter. Criteria: Ambry Variant Classification Scheme 2023. Collection method: clinical testing. Allele origin: germline.
Comment: The p.A1353V variant (also known as c.4058C>T), located in coding exon 28 of the MYH7 gene, results from a C to T substitution at nucleotide position 4058. The alanine at codon 1353 is replaced by valine, an amino acid with similar properties. This amino acid position is highly conserved in available vertebrate species. In addition, the in silico prediction for this alteration is inconclusive. Since supporting evidence is limited at this time, the clinical significance of this alteration remains unclear.

NM_000257.4(MYH7):c.4058C>T (p.Ala1353Val)

Gene: MYH7 (myosin heavy chain 7; minus strand). Cytogenetic location: 14q11.2.
Variant type: single nucleotide variant.
Coding change: c.4058C>T on transcript NM_000257.4 (MANE Select); coding-DNA position 4058, C replaced by T.
Protein change: p.Ala1353Val; replaces alanine 1353 with valine.
Molecular consequence: missense variant.
Genome position (GRCh38, 1-based): chr14:23,418,321, G>A on the plus strand (C>T on the coding strand, the complement: MYH7 is on the minus strand). VCF-style: chr14-23418321-G-A. GRCh37 (hg19) VCF-style: chr14-23887530-G-A.
Other names: short protein forms A1353V.
Identifiers: ClinVar variation 1443182 (VCV001443182.8), dbSNP rs376040196, ClinGen allele CA257813833.
Genomic context (GRCh38, chr14:23,418,321, plus strand): 5'-GTCCTCCACTGGGCCACCTCCGAGTTGGCCTTGGAAAGGACGCGCTGCAGCTCGGCCTTG[G>A]CCTCCGTCTCCTCCTCGTACTGCTCCCGCAGCAGGTCGCAGTCATGCCGGGCCGACTGCA-3'
Protein context (NP_000248.2, residues 1343-1363): LREQYEEETE[Ala1353Val]KAELQRVLSK